The following is an entry in ClinVar:

ClinVar aggregate classification (germline): Uncertain significance (1 of 4 stars; one submission).

Submission:

Labcorp Genetics (formerly Invitae), Labcorp
Classification: Uncertain significance. Last evaluated: 2022-04-16. Review status: criteria provided, single submitter. Criteria: Invitae Variant Classification Sherloc (09022015). Collection method: clinical testing. Allele origin: germline.
Comment: This sequence change replaces leucine, which is neutral and non-polar, with glutamine, which is neutral and polar, at codon 201 of the ALDH3A2 protein (p.Leu201Gln). This variant is not present in population databases (gnomAD no frequency). This missense change has been observed in individual(s) with Sj√∂gren-Larsson syndrome (Invitae). Advanced modeling of protein sequence and biophysical properties (such as structural, functional, and spatial information, amino acid conservation, physicochemical variation, residue mobility, and thermodynamic stability) performed at Invitae indicates that this missense variant is expected to disrupt ALDH3A2 protein function. In summary, the available evidence is currently insufficient to determine the role of this variant in disease. Therefore, it has been classified as a Variant of Uncertain Significance.

NM_000382.3(ALDH3A2):c.602T>A (p.Leu201Gln)

Gene: ALDH3A2 (aldehyde dehydrogenase 3 family member A2; plus strand). Cytogenetic location: 17p11.2.
Variant type: single nucleotide variant.
Coding change: c.602T>A on transcript NM_000382.3 (MANE Select); coding-DNA position 602, T replaced by A.
Protein change: p.Leu201Gln; replaces leucine 201 with glutamine.
Molecular consequence: missense variant.
Genome position (GRCh38, 1-based): chr17:19,656,496, T>A. VCF-style: chr17-19656496-T-A. GRCh37 (hg19) VCF-style: chr17-19559809-T-A.
Other names: c.602T>A, p.Leu201Gln (NM_001031806.2, NM_001369136.1, NM_001369137.2 and 3 more transcripts); c.23T>A, p.Leu8Gln (NM_001369148.2); short protein forms L8Q, L201Q.
Identifiers: ClinVar variation 2092504 (VCV002092504.1), dbSNP rs2544372158, ClinGen allele CA398706515.